The following is an entry in ClinVar:

ClinVar aggregate classification (germline): Uncertain significance. Review status: criteria provided, multiple submitters, no conflicts (2 of 4 stars). 2 submissions from 2 submitters: Uncertain significance (2). Last evaluated 2026-01-12.

Conditions:
Argininosuccinate lyase deficiency. Also called: ARGININOSUCCINIC ACID LYASE DEFICIENCY; Argininosuccinic aciduria; ASL DEFICIENCY. Identifiers: Orphanet 23, MedGen C0268547, MONDO:0008815, OMIM 207900, HP:0025630.

gnomAD v4.1: 27 of 1,613,840 alleles (0.0017%); highest among the groups gnomAD compares: Non-Finnish European, 0.002%; no homozygotes.

Submissions (2):

Labcorp Genetics (formerly Invitae), Labcorp
Classification: Uncertain significance for Argininosuccinate lyase deficiency. Last evaluated: 2026-01-12. Review status: criteria provided, single submitter. Criteria: Invitae Variant Classification Sherloc (09022015). Collection method: clinical testing. Allele origin: germline.
Comment: This sequence change replaces valine, which is neutral and non-polar, with leucine, which is neutral and non-polar, at codon 271 of the ASL protein (p.Val271Leu). This variant is present in population databases (no rsID available, gnomAD 0.008%). This variant has not been reported in the literature in individuals affected with ASL-related conditions. ClinVar contains an entry for this variant (Variation ID: 2193915). Invitae Evidence Modeling of protein sequence and biophysical properties (such as structural, functional, and spatial information, amino acid conservation, physicochemical variation, residue mobility, and thermodynamic stability) has been performed for this missense variant. However, the output from this modeling did not meet the statistical confidence thresholds required to predict the impact of this variant on ASL protein function. In summary, the available evidence is currently insufficient to determine the role of this variant in disease. Therefore, it has been classified as a Variant of Uncertain Significance.

GeneDx
Classification: Uncertain significance. Last evaluated: 2024-03-05. Review status: criteria provided, single submitter. Criteria: GeneDx Variant Classification Process June 2021. Collection method: clinical testing. Allele origin: germline. Affected: yes.
Comment: Not observed at significant frequency in large population cohorts (gnomAD); In silico analysis supports that this missense variant does not alter protein structure/function; Has not been previously published as pathogenic or benign to our knowledge

NM_000048.4(ASL):c.811G>T (p.Val271Leu)

Gene: ASL (argininosuccinate lyase; plus strand). Cytogenetic location: 7q11.21.
Variant type: single nucleotide variant.
Coding change: c.811G>T on transcript NM_000048.4 (MANE Select); coding-DNA position 811, G replaced by T.
Protein change: p.Val271Leu; replaces valine 271 with leucine.
Molecular consequence: missense variant.
Genome position (GRCh38, 1-based): chr7:66,088,899, G>T. VCF-style: chr7-66088899-G-T. GRCh37 (hg19) VCF-style: chr7-65553886-G-T.
Other names: c.811G>T (NM_000048.3); c.811G>T, p.Val271Leu (NM_001024943.2, NM_001024944.2); c.733G>T, p.Val245Leu (NM_001024946.2); short protein forms V271L, V245L.
Identifiers: ClinVar variation 2193915 (VCV002193915.4), dbSNP rs778854382, ClinGen allele CA159933604.